The following is an entry in ClinVar:

ClinVar aggregate classification (germline): Benign. Review status: criteria provided, multiple submitters, no conflicts (2 of 4 stars). 3 submissions from 3 submitters: Benign (2). 1 of the submissions does not count toward it. Last evaluated 2020-09-29.

Conditions:
CAPN10-related disorder. Also called: CAPN10-related condition; CAPN10-related disorders.

Allele frequency attached by ClinVar (database versions not stated): TOPMed 0.11363; 1000 Genomes Project 30x 0.11602; 1000 Genomes Project 0.11681; ESP Exome Variant Server 0.12092; gnomAD 0.12322 and 0.12598; gnomAD exomes 0.14328; ExAC 0.14741.
gnomAD v4.1: 247,352 of 1,563,144 alleles (16%); highest among the groups gnomAD compares: South Asian, 19%; 20,757 homozygotes.

Submissions (3):

GeneDx
Classification: Benign. Last evaluated: 2020-09-29. Review status: criteria provided, single submitter. Criteria: GeneDx Variant Classification Process June 2021. Collection method: clinical testing. Allele origin: germline. Affected: yes.
Comment: This variant is associated with the following publications: (PMID: 14741193)

Breakthrough Genomics
Classification: Benign. Review status: criteria provided, single submitter. Criteria: ACMG Guidelines, 2015. Collection method: not provided. Allele origin: germline. Inheritance: Unknown mechanism. Affected: yes.

PreventionGenetics, part of Exact Sciences
Classification: Benign for CAPN10-related condition. Last evaluated: 2019-10-17. Review status: no assertion criteria provided. Collection method: clinical testing. Allele origin: germline. Not counted in ClinVar's aggregate classification.
Comment: This variant is classified as benign based on ACMG/AMP sequence variant interpretation guidelines (Richards et al. 2015 PMID: 25741868, with internal and published modifications).

NM_023083.4(CAPN10):c.1510A>G (p.Thr504Ala)

Gene: CAPN10 (calpain 10; plus strand). Cytogenetic location: 2q37.3.
Variant type: single nucleotide variant.
Coding change: c.1510A>G on transcript NM_023083.4 (MANE Select); coding-DNA position 1510, A replaced by G.
Protein change: p.Thr504Ala; replaces threonine 504 with alanine.
Molecular consequence: missense variant. On other transcripts: intron variant (1).
Genome position (GRCh38, 1-based): chr2:240,596,709, A>G. VCF-style: chr2-240596709-A-G. GRCh37 (hg19) VCF-style: chr2-241536126-A-G.
Other names: c.1279-1179A>G (NM_023085.4); short protein forms T504A.
Identifiers: ClinVar variation 1296539 (VCV001296539.5), dbSNP rs7607759, ClinGen allele CA2205890.